The following is an entry in ClinVar:

NM_004369.4(COL6A3):c.3462C>T (p.Val1154=)

Gene: COL6A3 (collagen type VI alpha 3 chain; minus strand). Cytogenetic location: 2q37.3.
Variant type: single nucleotide variant.
Coding change: c.3462C>T on transcript NM_004369.4 (MANE Select); coding-DNA position 3462, C replaced by T.
Protein change: p.Val1154=; no amino-acid change (valine 1154 retained).
Molecular consequence: synonymous variant.
Genome position (GRCh38, 1-based): chr2:237,374,629, G>A on the plus strand (C>T on the coding strand, the complement: COL6A3 is on the minus strand). VCF-style: chr2-237374629-G-A. GRCh37 (hg19) VCF-style: chr2-238283272-G-A.
Other names: c.2241C>T, p.Val747= (NM_057164.5); c.2844C>T, p.Val948= (NM_057165.5, NM_057167.4); c.1641C>T, p.Val547= (NM_057166.5); c.3462C>T (NM_004369.3).
Identifiers: ClinVar variation 288801 (VCV000288801.10), dbSNP rs762152367, ClinGen allele CA2189163.
Genomic context (GRCh38, chr2:237,374,629, plus strand): 5'-CTCTGTGATGTCAGCGTTCCCGATGCCAATGCCAATGGGCACAGCCCCACCCCTCTTCAC[G>A]ACCACGGAGGGGTTCCGCACATCATCCCCAGACCTGTCGGCCGTGAGGACGATCAGCAGC-3'
Protein context (NP_004360.2, residues 1144-1164): SGDDVRNPSV[Val1154=]VKRGGAVPIG

ClinVar aggregate classification (germline): Conflicting classifications of pathogenicity. Review status: criteria provided, conflicting classifications (1 of 4 stars). 3 submissions from 3 submitters: Uncertain significance (1); Likely benign (2). Last evaluated 2025-07-02.

Conditions:
COL6A3-related disorder. Also called: COL6A3-related condition; COL6A3-related disorders.
Bethlem myopathy 1A. Also called: MYOPATHY, BENIGN CONGENITAL, WITH CONTRACTURES; Bethlem myopathy 1; Bethlem Muscular Dystrophy. Identifiers: Orphanet 610, MedGen CN029274, MONDO:0024530, OMIM 158810.

Allele frequency attached by ClinVar (database versions not stated): gnomAD exomes below 0.00001 and 0.00001; gnomAD 0.00001; ExAC 0.00002; TOPMed 0.00002.
gnomAD v4.1: 17 of 1,613,986 alleles (0.0011%); highest among the groups gnomAD compares: Middle Eastern, 0.016%; no homozygotes.

Submissions (3):

PreventionGenetics, part of Exact Sciences
Classification: Likely benign for COL6A3-related condition. Last evaluated: 2025-07-02. Review status: criteria provided, single submitter. Criteria: ACMG Guidelines, 2015. Collection method: clinical testing. Allele origin: germline.
Comment: This variant is classified as likely benign based on ACMG/AMP sequence variant interpretation guidelines (Richards et al. 2015 PMID: 25741868, with internal and published modifications).

Labcorp Genetics (formerly Invitae), Labcorp
Classification: Likely benign for Bethlem myopathy 1A. Last evaluated: 2024-01-25. Review status: criteria provided, single submitter. Criteria: Invitae Variant Classification Sherloc (09022015). Collection method: clinical testing. Allele origin: germline.

Eurofins Ntd Llc (ga)
Classification: Uncertain significance. Last evaluated: 2016-07-14. Review status: criteria provided, single submitter. Criteria: EGL Classification Definitions 2015. Collection method: clinical testing. Allele origin: germline. Observed: 1 variant allele, 1 heterozygote.